The following is an entry in ClinVar:

ClinVar aggregate classification (germline): Uncertain significance (1 of 4 stars; one submission).

Conditions:
Primary ciliary dyskinesia. Also called: Ciliary dyskinesia. Identifiers: Orphanet 244, MedGen C0008780, MONDO:0016575, HP:0012265.

Submission:

Ambry Genetics
Classification: Uncertain significance for Primary ciliary dyskinesia. Last evaluated: 2017-10-30. Review status: criteria provided, single submitter. Criteria: Ambry Variant Classification Scheme 2023. Collection method: clinical testing. Allele origin: germline.
Comment: The p.M244V variant (also known as c.730A>G), located in coding exon 5 of the DNAAF1 gene, results from an A to G substitution at nucleotide position 730. The methionine at codon 244 is replaced by valine, an amino acid with highly similar properties. This amino acid position is well conserved in available vertebrate species. In addition, this alteration is predicted to be tolerated by in silico analysis. Since supporting evidence is limited at this time, the clinical significance of this alteration remains unclear.

NM_178452.6(DNAAF1):c.730A>G (p.Met244Val)

Gene: DNAAF1 (dynein axonemal assembly factor 1; plus strand). Cytogenetic location: 16q24.1.
Variant type: single nucleotide variant.
Coding change: c.730A>G on transcript NM_178452.6 (MANE Select); coding-DNA position 730, A replaced by G.
Protein change: p.Met244Val; replaces methionine 244 with valine.
Molecular consequence: missense variant.
Genome position (GRCh38, 1-based): chr16:84,155,738, A>G. VCF-style: chr16-84155738-A-G. GRCh37 (hg19) VCF-style: chr16-84189343-A-G.
Other names: short protein forms M244V.
Identifiers: ClinVar variation 1758237 (VCV001758237.2), dbSNP rs2507375642, ClinGen allele CA396943954.